The following is an entry in ClinVar:

NM_014806.5(RUSC2):c.857C>A (p.Thr286Asn)

Gene: RUSC2 (RUN and SH3 domain containing 2; plus strand). Cytogenetic location: 9p13.3.
Variant type: single nucleotide variant.
Coding change: c.857C>A on transcript NM_014806.5 (MANE Select); coding-DNA position 857, C replaced by A.
Protein change: p.Thr286Asn; replaces threonine 286 with asparagine.
Molecular consequence: missense variant. On other transcripts: non-coding transcript variant (1), intron variant (1).
Genome position (GRCh38, 1-based): chr9:35,547,378, C>A. VCF-style: chr9-35547378-C-A. GRCh37 (hg19) VCF-style: chr9-35547375-C-A.
Other names: c.857C>A, p.Thr286Asn (NM_001135999.2); c.-620-7682C>A (NM_001330740.2); short protein forms T286N.
Identifiers: ClinVar variation 1362056 (VCV001362056.5), dbSNP rs757255957, ClinGen allele CA5043545.
Genomic context (GRCh38, chr9:35,547,378, plus strand): 5'-TGGGCTATGTGAGCGACTCCTCCTGCAACAGTTCAGATGGTGTGCTGGTCACCTTCAGCA[C>A]CCTCTACAACAAGATGCATGGCACCCCCCGTGCCAATCTCAACTCTGCCCCACAGTCCTG-3'
Protein context (NP_055621.2, residues 276-296): SSDGVLVTFS[Thr286Asn]LYNKMHGTPR

ClinVar aggregate classification (germline): Uncertain significance (1 of 4 stars; one submission).

Allele frequency attached by ClinVar (database versions not stated): gnomAD exomes below 0.00001; ExAC 0.00001.
gnomAD v4.1: 1 of 1,614,170 alleles (0.000062%); highest among the groups gnomAD compares: African/African-American, 0.0013%; no homozygotes.

Submission:

Labcorp Genetics (formerly Invitae), Labcorp
Classification: Uncertain significance. Last evaluated: 2021-08-20. Review status: criteria provided, single submitter. Criteria: Invitae Variant Classification Sherloc (09022015). Collection method: clinical testing. Allele origin: germline.
Comment: This sequence change replaces threonine with asparagine at codon 286 of the RUSC2 protein (p.Thr286Asn). The threonine residue is moderately conserved and there is a small physicochemical difference between threonine and asparagine. This variant is present in population databases (rs757255957, ExAC 0.01%). This variant has not been reported in the literature in individuals affected with RUSC2-related conditions. Algorithms developed to predict the effect of missense changes on protein structure and function are either unavailable or do not agree on the potential impact of this missense change (SIFT: "Deleterious"; PolyPhen-2: "Possibly Damaging"; Align-GVGD: "Class C15"). In summary, the available evidence is currently insufficient to determine the role of this variant in disease. Therefore, it has been classified as a Variant of Uncertain Significance.